The following continues an entry in ClinVar:

NM_004004.6(GJB2):c.299_300del (p.His100fs)

Gene: GJB2. ClinVar aggregate classification (germline): Pathogenic. Pathogenic (23).

Submissions 7 to 18 of 25:

ARUP Laboratories, Molecular Genetics and Genomics, ARUP Laboratories
Classification: Pathogenic. Last evaluated: 2024-11-12. Review status: criteria provided, single submitter. Criteria: ARUP Molecular Germline Variant Investigation Process 2024. Collection method: clinical testing. Allele origin: germline.
Comment: The GJB2 c.299_300delAT; p.His100ArgfsTer14 variant (rs111033204) is reported in the literature in multiple individuals affected with nonsyndromic hearing loss (Abe 2000, Chen 2016, Huang 2013, Wang 2002). Several affected individuals with this variant were also observed to carry a second pathogenic variant (Abe 2000, Huang 2013, Wang 2002), including two siblings confirmed to carry another frameshift variant in trans to p.His100ArgfsTer14 (Wang 2002). This variant is found in the East Asian population with an overall allele frequency of 0.09% (18/19950 alleles) in the Genome Aggregation Database, and it is reported as pathogenic by multiple laboratories in ClinVar (Variation ID: 44736). This variant causes a frameshift by deleting two nucleotides, so it is predicted to result in a truncated protein or mRNA subject to nonsense-mediated decay. Based on available information, this variant is considered to be pathogenic. References: Abe S et al. Prevalent connexin 26 gene (GJB2) mutations in Japanese. J Med Genet. 2000 Jan;37(1):41-3. PMID: 10633133. Chen K et al. GJB2 and mitochondrial 12S rRNA susceptibility mutations in sudden deafness. Eur Arch Otorhinolaryngol. 2016 Jun;273(6):1393-8. PMID: 26119842. Huang S et al. Identification of a p.R143Q dominant mutation in the gap junction beta-2 gene in three Chinese patients with different hearing phenotypes. Acta Otolaryngol. 2013 Jan;133(1):55-8. PMID: 22991996. Wang YC et al. Mutations of Cx26 gene (GJB2) for prelingual deafness in Taiwan. Eur J Hum Genet. 2002 Aug;10(8):495-8. PMID: 12111646.

Daryl Scott Lab, Baylor College of Medicine
Classification: Pathogenic for CREBBP-related disorder. Last evaluated: 2024-01-01. Review status: criteria provided, single submitter. Criteria: ACMG Guidelines, 2015. Collection method: clinical testing. Allele origin: paternal. Observed: 1 heterozygote.
Comment: PVS1, PS3, PM3

Integrating Genomics into Medicine, Frazer Institute, University Of Queensland
Classification: Pathogenic for Autosomal recessive nonsyndromic hearing loss 1A. Last evaluated: 2023-06-02. Review status: criteria provided, single submitter. Criteria: ACMG Guidelines, 2015. Collection method: clinical testing. Allele origin: germline. Affected: yes.

Victorian Clinical Genetics Services, Murdoch Childrens Research Institute
Classification: Pathogenic for Autosomal recessive nonsyndromic hearing loss 1A. Last evaluated: 2022-09-02. Review status: criteria provided, single submitter. Criteria: ACMG Guidelines, 2015. Collection method: clinical testing. Allele origin: germline. Inheritance: Autosomal recessive inheritance. Affected: yes.
Comment: Based on the classification scheme VCGS_Germline_v1.3.4, this variant is classified as Pathogenic. Following criteria are met: 0102 - Loss of function is a known mechanism of disease in this gene and is associated with both deafness and skin conditions (OMIM). Dominant negative is also a suggested mechanism (PMID: 28428247). (I) 0108 - This gene is associated with both recessive and dominant disease. The autosomal dominant diseases are commonly associated with pathogenic missense variants. The autosomal recessive disease is associated with bi-allelic loss-of-function variants and includes missense and protein truncating variants (NIH Genetics Home Reference, PMID: 12792423). (I) 0112 - The condition associated with this gene has incomplete penetrance (PMID: 31160754). (I) 0115 - Variants in this gene are known to have variable expressivity. Severity can range from mild to profound with intrafamilial variability also commonly seen. Commonly, truncating variants are associated to a more severe hearing loss (GeneReviews). (I) 0204 - Variant is predicted to result in a truncated protein (premature termination codon is NOT located at least 54 nucleotides upstream of the final exon-exon junction) with at least 1/3 of the protein sequence affected. (SP) 0251 - This variant is heterozygous. (I) 0304 - Variant is present in gnomAD <0.01 for a recessive condition (v2: 18 heterozygotes, 0 homozygotes). (SP) 0801 - This variant has strong previous evidence of pathogenicity in unrelated individuals. It has been reported in multiple individuals with autosomal recessive non-syndromic deafness and is regarded as pathogenic (ClinVar). (SP) 0701 - Other variants resulting in protein truncation downstream of this position and therefore comparable to the one identified in this case have very strong previous evidence for pathogenicity (DECIPHER). (SP) 1208 - Inheritance information for this variant is not currently available in this individual. (I) Legend: (SP) - Supporting pathogenic, (I) - Information, (SB) - Supporting benign

GeneDx
Classification: Pathogenic. Last evaluated: 2022-06-01. Review status: criteria provided, single submitter. Criteria: GeneDx Variant Classification Process June 2021. Collection method: clinical testing. Allele origin: germline. Affected: yes.
Comment: Published functional studies demonstrate the protein is retained in the endoplasmic reticulum and cannot form gap junctions in the plasma membrane (Zhang et al., 2010); Frameshift variant predicted to result in protein truncation, as the last 127 amino acids are lost and replaced with 13 incorrect amino acids, and other loss-of-function variants have been reported downstream in HGMD; This variant is associated with the following publications: (PMID: 29234782, 10983956, 30693673, 31160754, 25266519, 19043807, 26119842, 16380907, 11438992, 11385713, 12111646, 22695344, 19366456, 10633133, 30589569, 30282152, 31195736, 30036422, 31347505, 30146550, 31564438, 29625052, 26689913, 31541171, 30275481, 32645618, 33726816, 33597575, 29871260, 22875492, 32973888, 20095872, 22991996)

MGZ Medical Genetics Center
Classification: Pathogenic for Autosomal recessive nonsyndromic hearing loss 1A. Last evaluated: 2022-05-17. Review status: criteria provided, single submitter. Criteria: ACMG Guidelines, 2015. Collection method: clinical testing. Allele origin: germline. Affected: yes. Observed: 1 variant allele.
Comment: ACMG criteria applied: PVS1_STR, PS4, PM3, PS3_SUP, PM2_SUP

Athena Diagnostics
Classification: Pathogenic. Last evaluated: 2022-03-15. Review status: criteria provided, single submitter. Criteria: Athena Diagnostics Criteria. Collection method: clinical testing. Allele origin: unknown.
Comment: This variant is expected to result in the loss of a functional protein. The frequency of this variant in the general population is consistent with pathogenicity. This variant has been identified in multiple unrelated individuals with autosomal recessive nonsyndromic hearing loss and deafness. Assessment of experimental evidence suggests this variant results in abnormal protein function. Experiments showed mutant proteins were retained in the endoplasmic reticulum (ER) and thus unable to form gap junctions in the plasma membrane (PMID: 20095872).

Department of Human Genetics, Hannover Medical School
Classification: Pathogenic for Autosomal recessive nonsyndromic hearing loss 1A. Last evaluated: 2021-12-14. Review status: criteria provided, single submitter. Criteria: ACMG Guidelines, 2015. Collection method: clinical testing. Allele origin: germline. Inheritance: Autosomal recessive inheritance. Affected: yes.

Fulgent Genetics
Classification: Pathogenic for Mutilating keratoderma; Autosomal dominant keratitis-ichthyosis-hearing loss syndrome; Palmoplantar keratoderma-deafness syndrome; Knuckle pads, deafness AND leukonychia syndrome; Autosomal recessive nonsyndromic hearing loss 1A; X-linked mixed hearing loss with perilymphatic gusher; Autosomal dominant nonsyndromic hearing loss 3A. Last evaluated: 2021-08-19. Review status: criteria provided, single submitter. Criteria: ACMG Guidelines, 2015. Collection method: clinical testing. Allele origin: unknown.

Myriad Genetics, Inc.
Classification: Pathogenic for Autosomal recessive nonsyndromic hearing loss 1A. Last evaluated: 2019-12-20. Review status: criteria provided, single submitter. Criteria: Myriad Women's Health Autosomal Recessive and X-Linked Classification Criteria (2019). Collection method: clinical testing. Allele origin: unknown.
Comment: NM_004004.5(GJB2):c.299_300delAT(H100Rfs*14) is classified as pathogenic in the context of GJB2-related DFNB1 nonsyndromic hearing loss and deafness. Sources cited for classification include the following: PMID 20095872 and 19366456. Classification of NM_004004.5(GJB2):c.299_300delAT(H100Rfs*14) is based on the following criteria: The variant causes a premature termination codon that is not expected to be targeted by nonsense-mediated mRNA decay; however, literature evidence strongly supports pathogenicity. Please note: this variant was assessed in the context of healthy population screening.

Clinical Genetics and Genomics, Karolinska University Hospital
Classification: Pathogenic. Last evaluated: 2019-10-02. Review status: criteria provided, single submitter. Criteria: ACMG Guidelines, 2015. Collection method: clinical testing. Allele origin: germline. Affected: yes. Observed: 1 variant allele.

Laboratory for Molecular Medicine, Mass General Brigham Personalized Medicine
Classification: Pathogenic for Rare genetic deafness. Last evaluated: 2019-08-12. Review status: criteria provided, single submitter. Criteria: ACMG Guidelines, 2015. Collection method: clinical testing. Allele origin: germline.
Comment: The His100fs variant in GJB2 has been previously reported in several individuals with hearing loss who were homozygous or compound heterozygous (Abe 2000, Bayazit 2003, Gabriel 2001, Park 2000, Snoeckx 2005, Wang 2002, Zhang 2010, LMM unpublished data). This variant has also been identified in 0.09% (18/19950) of East Asian chromosomes by gnomAD. This frameshift variant is predicted to alter the protein’s amino acid sequence beginning at position 100 and lead to a premature termination codon 14 amino acids downstream. This alteration is then predicted to lead to a truncated or absent protein. Loss of function of the GJB2 gene is an established disease mechanism in autosomal recessive hearing loss. In summary, this variant meets criteria to be classified as pathogenic for autosomal recessive hearing loss. ACMG/AMP Criteria applied: PVS1, PM3, PM2_Supporting.